The following is an entry in ClinVar:

ClinVar aggregate classification (germline): Uncertain significance (1 of 4 stars; one submission).

Conditions:
Inborn genetic diseases. Identifiers: MedGen C0950123, MeSH D030342.

Submission:

Ambry Genetics
Classification: Uncertain significance for Inborn genetic diseases. Last evaluated: 2025-07-06. Review status: criteria provided, single submitter. Criteria: Ambry Variant Classification Scheme 2023. Collection method: clinical testing. Allele origin: germline.
Comment: The p.L1314Q variant (also known as c.3941T>A), located in coding exon 1 of the SAMD9L gene, results from a T to A substitution at nucleotide position 3941. The leucine at codon 1314 is replaced by glutamine, an amino acid with dissimilar properties. This amino acid position is conserved. In addition, this alteration is predicted to be tolerated by in silico analysis. Based on the available evidence, the clinical significance of this variant remains unclear.

NM_152703.5(SAMD9L):c.3941T>A (p.Leu1314Gln)

Gene: SAMD9L (sterile alpha motif domain containing 9 like; minus strand). Cytogenetic location: 7q21.2.
Variant type: single nucleotide variant.
Coding change: c.3941T>A on transcript NM_152703.5 (MANE Select); coding-DNA position 3941, T replaced by A.
Protein change: p.Leu1314Gln; replaces leucine 1314 with glutamine.
Molecular consequence: missense variant.
Genome position (GRCh38, 1-based): chr7:93,132,031, A>T on the plus strand (T>A on the coding strand, the complement: SAMD9L is on the minus strand). VCF-style: chr7-93132031-A-T. GRCh37 (hg19) VCF-style: chr7-92761344-A-T.
Other names: c.3941T>A, p.Leu1314Gln (NM_001303496.3, NM_001303497.3, NM_001303498.3 and 5 more transcripts); short protein forms L1314Q.
Identifiers: ClinVar variation 4159304 (VCV004159304.1).
Genomic context (GRCh38, chr7:93,132,031, plus strand): 5'-GCTTCTAGCTTTTTCCTGCAATTCTCCTCCTGGAGTAATTGACTCTCTTTACTTTGTAAT[A>T]GACATGGATCCAAATGACAGAAAAGTTCTGTGTATTTCCTGAAACAACGACTGACTTTCT-3'
Protein context (NP_689916.2, residues 1304-1324): TELFCHLDPC[Leu1314Gln]LQSKESQLLQ